The following is an entry in ClinVar:

NM_001040142.2(SCN2A):c.2318C>T (p.Thr773Ile)

Gene: SCN2A (sodium voltage-gated channel alpha subunit 2; plus strand). Cytogenetic location: 2q24.3.
Variant type: single nucleotide variant.
Coding change: c.2318C>T on transcript NM_001040142.2 (MANE Select); coding-DNA position 2318, C replaced by T.
Protein change: p.Thr773Ile; replaces threonine 773 with isoleucine.
Molecular consequence: missense variant.
Genome position (GRCh38, 1-based): chr2:165,331,498, C>T. VCF-style: chr2-165331498-C-T. GRCh37 (hg19) VCF-style: chr2-166188008-C-T.
Other names: c.2318C>T, p.Thr773Ile (NM_001040143.2, NM_001371246.1, NM_001371247.1 and 1 more transcripts); short protein forms T773I.
Identifiers: ClinVar variation 1727253 (VCV001727253.2), dbSNP rs2467962040, ClinGen allele CA349031332.

Conditions:
Complex neurodevelopmental disorder. Identifiers: Orphanet 528084, MedGen C5568766, MONDO:0100038.

Submission:

Channelopathy-Associated Epilepsy Research Center
No classification provided (evidence only). Condition: Complex neurodevelopmental disorder. Review status: no classification provided. Collection method: literature only. Allele origin: not applicable. Functional consequence: Normal slope of activation, Normal slope of fast inactivation, Normal voltage dependence of fast inactivation, Normal fast inactivation, Normal peak current, Normal rate of recovery from fast inactivation, Moderate hyperpolarizing shift of voltage dependence of activation, Moderate increase in persistent current, Overall gain-of-function.
ClinVar note: "not provided" was previously submitted as the classification for the variant. However, the classification appeared to be based only on an observation of functional data so it was converted to no classification on 2025-07-30.

Literature cited by the submitters: PubMed 30144217.